The following is an entry in ClinVar:

ClinVar aggregate classification (germline): Uncertain significance. Review status: criteria provided, multiple submitters, no conflicts (2 of 4 stars). 2 submissions from 2 submitters: Uncertain significance (2). Last evaluated 2025-10-23.

Conditions:
FGFR3-related disorder. Also called: FGFR3-related disorders.

gnomAD v4.1: 5 of 1,612,412 alleles (0.00031%); highest among the groups gnomAD compares: Middle Eastern, 0.083%; no homozygotes.

Submissions (2):

Labcorp Genetics (formerly Invitae), Labcorp
Classification: Uncertain significance. Last evaluated: 2025-10-23. Review status: criteria provided, single submitter. Criteria: Invitae Variant Classification Sherloc (09022015). Collection method: clinical testing. Allele origin: germline.
Comment: This sequence change replaces valine, which is neutral and non-polar, with alanine, which is neutral and non-polar, at codon 372 of the FGFR3 protein (p.Val372Ala). This variant is not present in population databases (gnomAD no frequency). This variant has not been reported in the literature in individuals affected with FGFR3-related conditions. ClinVar contains an entry for this variant (Variation ID: 2633154). Invitae Evidence Modeling of protein sequence and biophysical properties (such as structural, functional, and spatial information, amino acid conservation, physicochemical variation, residue mobility, and thermodynamic stability) has been performed for this missense variant. However, the output from this modeling did not meet the statistical confidence thresholds required to predict the impact of this variant on FGFR3 protein function. In summary, the available evidence is currently insufficient to determine the role of this variant in disease. Therefore, it has been classified as a Variant of Uncertain Significance.

PreventionGenetics, part of Exact Sciences
Classification: Uncertain significance for FGFR3-related condition. Last evaluated: 2023-04-11. Review status: criteria provided, single submitter. Criteria: ACMG Guidelines, 2015. Collection method: clinical testing. Allele origin: germline.
Comment: The FGFR3 c.1115T>C variant is predicted to result in the amino acid substitution p.Val372Ala. To our knowledge, this variant has not been reported in the literature or in a large population database, indicating this variant is rare. At this time, the clinical significance of this variant is uncertain due to the absence of conclusive functional and genetic evidence.

NM_000142.5(FGFR3):c.1115T>C (p.Val372Ala)

Gene: FGFR3 (fibroblast growth factor receptor 3; plus strand). Cytogenetic location: 4p16.3.
Variant type: single nucleotide variant.
Coding change: c.1115T>C on transcript NM_000142.5 (MANE Select); coding-DNA position 1115, T replaced by C.
Protein change: p.Val372Ala; replaces valine 372 with alanine.
Molecular consequence: missense variant. On other transcripts: non-coding transcript variant (1), intron variant (1).
Genome position (GRCh38, 1-based): chr4:1,804,369, T>C. VCF-style: chr4-1804369-T-C. GRCh37 (hg19) VCF-style: chr4-1806096-T-C.
Other names: c.1121T>C, p.Val374Ala (NM_001163213.2); c.1115T>C, p.Val372Ala (NM_001354809.2, NM_001354810.2); c.931-455T>C (NM_022965.4); short protein forms V372A, V374A.
Identifiers: ClinVar variation 2633154 (VCV002633154.2), dbSNP rs868599579, ClinGen allele CA91253864.
Genomic context (GRCh38, chr4:1,804,369, plus strand): 5'-TCAACGCCCATGTCTTTGCAGCCGAGGAGGAGCTGGTGGAGGCTGACGAGGCGGGCAGTG[T>C]GTATGCAGGCATCCTCAGCTACGGGGTGGGCTTCTTCCTGTTCATCCTGGTGGTGGCGGC-3'
Protein context (NP_000133.1, residues 362-382): ELVEADEAGS[Val372Ala]YAGILSYGVG